The following is an entry in ClinVar:

NM_001205019.2(GK):c.259+2T>C

Gene: GK (glycerol kinase; plus strand). Cytogenetic location: Xp21.2.
Variant type: single nucleotide variant.
Coding change: c.259+2T>C on transcript NM_001205019.2 (MANE Select); the canonical splice donor site of the intron after coding-DNA position 259, T replaced by C.
Molecular consequence: splice donor variant.
Genome position (GRCh38, 1-based): chrX:30,668,120, T>C. VCF-style: chrX-30668120-T-C. GRCh37 (hg19) VCF-style: chrX-30686237-T-C.
Other names: c.259+2T>C (NM_001399987.1, NM_203391.4, NM_001128127.3 and 1 more transcripts).
Identifiers: ClinVar variation 379913 (VCV000379913.2), dbSNP rs1057520781, ClinGen allele CA16608882.

ClinVar aggregate classification (germline): Pathogenic (1 of 4 stars; one submission).

Submission:

GeneDx
Classification: Pathogenic. Last evaluated: 2015-06-02. Review status: criteria provided, single submitter. Criteria: GeneDx Variant Classification (06012015). Collection method: clinical testing. Allele origin: germline. Affected: yes.
Comment: The c.259+2 T>C splice site variant in the GK gene destroys the canonical splice donor site in intron 3. It is predicted to cause abnormal gene splicing, either leading to an abnormal message that is subject to nonsense-mediated mRNA decay, or to an abnormal protein product if the message is used for protein translation. Although this variant has not been previously reported to our knowledge, we interpret it as pathogenic.